The following is an entry in ClinVar:

ClinVar aggregate classification (germline): Pathogenic (1 of 4 stars; one submission).

Submission:

Labcorp Genetics (formerly Invitae), Labcorp
Classification: Pathogenic. Last evaluated: 2021-03-23. Review status: criteria provided, single submitter. Criteria: Invitae Variant Classification Sherloc (09022015). Collection method: clinical testing. Allele origin: germline.
Comment: This sequence change creates a premature translational stop signal (p.Cys54*) in the SLC26A4 gene. It is expected to result in an absent or disrupted protein product. Loss-of-function variants in SLC26A4 are known to be pathogenic (PMID: 16283880, 25394566, 26252218, 26445815). The frequency data for this variant in the population databases is considered unreliable, as metrics indicate insufficient coverage at this position in the ExAC database. This variant has not been reported in the literature in individuals with SLC26A4-related conditions. For these reasons, this variant has been classified as Pathogenic.

Literature cited by the submitters: PubMed 16283880; PubMed 25394566; PubMed 26252218; PubMed 26445815.

NM_000441.2(SLC26A4):c.162C>A (p.Cys54Ter)

Gene: SLC26A4 (solute carrier family 26 member 4; plus strand). Cytogenetic location: 7q22.3.
Variant type: single nucleotide variant.
Coding change: c.162C>A on transcript NM_000441.2 (MANE Select); coding-DNA position 162, C replaced by A.
Protein change: p.Cys54Ter; replaces cysteine 54 with a stop codon.
Molecular consequence: nonsense.
Genome position (GRCh38, 1-based): chr7:107,661,803, C>A. VCF-style: chr7-107661803-C-A. GRCh37 (hg19) VCF-style: chr7-107302248-C-A.
Other names: short protein forms C54*.
Identifiers: ClinVar variation 1451677 (VCV001451677.6), dbSNP rs2129308766, ClinGen allele CA368845281.